The following is an entry in ClinVar:

ClinVar aggregate classification (germline): Uncertain significance (1 of 4 stars; one submission).

Conditions:
Inborn genetic diseases. Identifiers: MedGen C0950123, MeSH D030342.

gnomAD v4.1: 1 of 1,613,692 alleles (0.000062%); highest among the groups gnomAD compares: Non-Finnish European, 0.000085%; no homozygotes.

Submission:

Ambry Genetics
Classification: Uncertain significance for Inborn genetic diseases. Last evaluated: 2026-01-25. Review status: criteria provided, single submitter. Criteria: Ambry Variant Classification Scheme 2023. Collection method: clinical testing. Allele origin: germline.
Comment: The c.7786G>C (p.D2596H) alteration is located in exon 36 (coding exon 36) of the KMT2B gene. This alteration results from a G to C substitution at nucleotide position 7786, causing the aspartic acid (D) at amino acid position 2596 to be replaced by a histidine (H). Based on data from gnomAD, the C allele has an overall frequency of 0.003% (1/31340) total alleles studied. The highest observed frequency was 0.007% (1/15402) of European (non-Finnish) alleles. Based on insufficient or conflicting evidence, the clinical significance of this alteration remains unclear.

NM_014727.3(KMT2B):c.7786G>C (p.Asp2596His)

Gene: KMT2B (lysine methyltransferase 2B; plus strand). Cytogenetic location: 19q13.12.
Variant type: single nucleotide variant.
Coding change: c.7786G>C on transcript NM_014727.3 (MANE Select); coding-DNA position 7786, G replaced by C.
Protein change: p.Asp2596His; replaces aspartic acid 2596 with histidine.
Molecular consequence: missense variant.
Genome position (GRCh38, 1-based): chr19:35,738,105, G>C. VCF-style: chr19-35738105-G-C. GRCh37 (hg19) VCF-style: chr19-36229006-G-C.
Other names: short protein forms D2596H.
Identifiers: ClinVar variation 4832448 (VCV004832448.1).